The following is an entry in ClinVar:

ClinVar aggregate classification (germline): Uncertain significance (1 of 4 stars; one submission).

gnomAD v4.1: 5 of 1,610,074 alleles (0.00031%); highest among the groups gnomAD compares: East Asian, 0.0022%; no homozygotes.

Submission:

Dasa
Classification: Uncertain significance. Last evaluated: 2026-01-21. Review status: criteria provided, single submitter. Criteria: DASA Assertion Criteria. Collection method: clinical testing. Allele origin: germline.
Comment: NM_001394372.1(BICRA):c.1615G>A (p.Ala539Thr) is a missense variant that results in the substitution of alanine with threonine. This variant is rare in population databases. Computational prediction algorithms are consistent with a benign effect. The currently available literature and clinical evidence are not sufficient to establish a definitive association between this variant and the reported condition. Therefore, this variant is classified as a variant of uncertain significance.

NM_001394372.1(BICRA):c.1615G>A (p.Ala539Thr)

Gene: BICRA (BRD4 interacting chromatin remodeling complex associated protein; plus strand). Cytogenetic location: 19q13.33.
Variant type: single nucleotide variant.
Coding change: c.1615G>A on transcript NM_001394372.1 (MANE Select); coding-DNA position 1615, G replaced by A.
Protein change: p.Ala539Thr; replaces alanine 539 with threonine.
Molecular consequence: missense variant.
Genome position (GRCh38, 1-based): chr19:47,680,785, G>A. VCF-style: chr19-47680785-G-A. GRCh37 (hg19) VCF-style: chr19-48184042-G-A.
Other names: c.1615G>A, p.Ala539Thr (NM_015711.3); short protein forms A539T.
Identifiers: ClinVar variation 5020725 (VCV005020725.1).